The following is an entry in ClinVar:

ClinVar aggregate classification (germline): Uncertain significance. Review status: criteria provided, multiple submitters, no conflicts (2 of 4 stars). 2 submissions from 2 submitters: Uncertain significance (2). Last evaluated 2025-04-09.

Conditions:
Cardiovascular phenotype. Identifiers: MedGen CN230736.
Hereditary cancer-predisposing syndrome. Also called: Hereditary neoplastic syndrome; Tumor predisposition; Neoplastic Syndromes, Hereditary; Hereditary Cancer Syndrome. Identifiers: Orphanet 140162, MedGen C0027672, MeSH D009386, MONDO:0015356.
Neurofibromatosis, type 1 (NF1). Also called: Peripheral type neurofibromatosis; Neurofibromatosis, type I; VON RECKLINGHAUSEN DISEASE; NEUROFIBROMATOSIS, TYPE I, SOMATIC. Identifiers: Orphanet 636, MedGen C0027831, MONDO:0018975, OMIM 162200. Disease mechanism: loss of function.

Submissions (2):

NHS Central & South Genomic Laboratory Hub
Classification: Uncertain significance for Neurofibromatosis type 1. Last evaluated: 2025-04-09. Review status: criteria provided, single submitter. Criteria: ACMG Guidelines, 2015. Collection method: clinical testing. Allele origin: germline. Affected: yes.

Ambry Genetics
Classification: Uncertain significance for Cardiovascular phenotype; Hereditary cancer-predisposing syndrome. Last evaluated: 2023-01-12. Review status: criteria provided, single submitter. Criteria: Ambry Variant Classification Scheme 2023. Collection method: clinical testing. Allele origin: germline.
Comment: The p.S593I variant (also known as c.1778G>T), located in coding exon 16 of the NF1 gene, results from a G to T substitution at nucleotide position 1778. The serine at codon 593 is replaced by isoleucine, an amino acid with dissimilar properties. This amino acid position is conserved. In addition, the in silico prediction for this alteration is inconclusive. Since supporting evidence is limited at this time, the clinical significance of this alteration remains unclear.

NM_001042492.3(NF1):c.1778G>T (p.Ser593Ile)

Gene: NF1 (neurofibromin 1; plus strand). Cytogenetic location: 17q11.2.
Variant type: single nucleotide variant.
Coding change: c.1778G>T on transcript NM_001042492.3 (MANE Select); coding-DNA position 1778, G replaced by T.
Protein change: p.Ser593Ile; replaces serine 593 with isoleucine.
Molecular consequence: missense variant.
Genome position (GRCh38, 1-based): chr17:31,223,500, G>T. VCF-style: chr17-31223500-G-T. GRCh37 (hg19) VCF-style: chr17-29550518-G-T.
Other names: c.1778G>T, p.Ser593Ile (NM_000267.4); short protein forms S593I.
Identifiers: ClinVar variation 2452266 (VCV002452266.3), dbSNP rs2066963100, ClinGen allele CA399004283.